The following is an entry in ClinVar:

ClinVar aggregate classification (germline): Uncertain significance (1 of 4 stars; one submission).

Conditions:
Platelet-type bleeding disorder 10. Also called: CD36 DEFICIENCY. Identifiers: MedGen C1842090, MONDO:0012031, OMIM 608404.
Coronary heart disease, susceptibility to, 7. Identifiers: MONDO:0012585, OMIM 610938, MedGen C1970441.
Malaria, susceptibility to. Identifiers: Orphanet 673, MedGen C1970028, MONDO:0021024, OMIM 611162.

Submission:

Juno Genomics, Hangzhou Juno Genomics, Inc
Classification: Uncertain significance for Coronary heart disease, susceptibility to, 7; Malaria, susceptibility to; Platelet-type bleeding disorder 10. Review status: criteria provided, single submitter. Criteria: ACMG Guidelines, 2015. Collection method: clinical testing. Allele origin: germline.
Comment: Null variant in a gene where loss of function (LOF) is a known mechanism of disease.;Absent from controls (or at extremely low frequency if recessive) in Genome Aggregation Database.

NM_001001548.3(CD36):c.1339_1360dup (p.Val454fs)

Gene: CD36 (CD36 molecule (CD36 blood group); plus strand). Cytogenetic location: 7q21.11.
Variant type: Duplication.
Coding change: c.1339_1360dup on transcript NM_001001548.3 (MANE Select); coding-DNA positions 1339 to 1360, 22 bases duplicated (ATCTTACTCAGTGTTGGTGTGG).
Protein change: p.Val454fs; shifts the reading frame from valine 454.
Molecular consequence: frameshift variant. On other transcripts: non-coding transcript variant (1).
Genome position (GRCh38, 1-based): chr7:80,674,067-80,674,088, ATCTTACTCAGTGTTGGTGTGG duplicated; duplicating any 22 consecutive bases within chr7:80,674,066-80,674,088 gives the same sequence; the c. name uses the placement nearest the transcript's 3' end. VCF-style (leftmost placement, unchanged base first): chr7-80674065-T-TGATCTTACTCAGTGTTGGTGTG. GRCh37 (hg19) VCF-style: chr7-80303381-T-TGATCTTACTCAGTGTTGGTGTG.
Other names: c.1339_1360dup, p.Val454fs (NM_001371074.1, NM_001371075.1, NM_001371077.1 and 5 more transcripts); c.1237_1258dup, p.Val420fs (NM_001371079.1); c.874_895dup, p.Val299fs (NM_001371080.1, NM_001371081.1); c.1222_1243dup, p.Val415fs (NM_001289908.1); c.1159_1180dup, p.Val394fs (NM_001289909.1); c.1111_1132dup, p.Val378fs (NM_001289911.2); short protein forms V299fs, V394fs, V420fs, V454fs, V415fs, V378fs.
Identifiers: ClinVar variation 5007230 (VCV005007230.2).